The following is an entry in ClinVar:

NM_004329.3(BMPR1A):c.506TCT[1] (p.Phe170del)

Gene: BMPR1A (bone morphogenetic protein receptor type 1A; plus strand). Cytogenetic location: 10q23.2.
Variant type: Microsatellite.
Coding change: c.506TCT[1] on transcript NM_004329.3 (MANE Select); one copy of the 3-base unit TCT starting at c.506; the reference has two copies in a row; one copy, 3 bases deleted.
Protein change: p.Phe170del; deletes phenylalanine 170.
Molecular consequence: inframe deletion.
Genome position (GRCh38, 1-based): chr10:86,900,105-86,900,107, TCT deleted; deleting any 3 consecutive bases within chr10:86,900,102-86,900,107 gives the same sequence; the position shown is the placement nearest the transcript's 3' end. VCF-style (leftmost placement, unchanged base first): chr10-86900101-ATCT-A. GRCh37 (hg19) VCF-style: chr10-88659858-ATCT-A.
Other names: c.509_511delTCT (NM_004329.2); short protein forms F170del.
Identifiers: ClinVar variation 239863 (VCV000239863.9), dbSNP rs878854669, ClinGen allele CA10582743.
Genomic context (GRCh38, chr10:86,900,101, plus strand): 5'-GGCAGCATTCGATGGCTGGTTTTGCTCATTTCTATGGCTGTCTGCATAATTGCTATGATC[ATCT>A]TCTCCAGCTGCTTTTGTTACAAGTAAGAAGATATTTATTTTGAAGCAAAATATTTTGTCA-3'

ClinVar aggregate classification (germline): Uncertain significance. Review status: criteria provided, multiple submitters, no conflicts (2 of 4 stars). 3 submissions from 2 submitters: Uncertain significance (3). Last evaluated 2026-08-14.

Conditions:
Juvenile polyposis syndrome (JPS). Identifiers: Orphanet 2929, MedGen C0345893, MONDO:0017380, OMIM 174900.
Hereditary cancer-predisposing syndrome. Also called: Tumor predisposition; Neoplastic Syndromes, Hereditary; Hereditary Cancer Syndrome; Hereditary neoplastic syndrome. Identifiers: Orphanet 140162, MedGen C0027672, MeSH D009386, MONDO:0015356.
Generalized juvenile polyposis/juvenile polyposis coli. Also called: Juvenile polyposis coli. Identifiers: Orphanet 329971, MedGen C1868081, MONDO:0008276.

Submissions (3):

Ambry Genetics
Classification: Uncertain significance for Hereditary cancer-predisposing syndrome. Last evaluated: 2026-08-14. Review status: criteria provided, single submitter. Criteria: Ambry Variant Classification Scheme 2023. Collection method: clinical testing. Allele origin: germline.
Comment: The c.509_511delTCT variant (also known as p.F170del) is located in coding exon 5 of the BMPR1A gene. This variant results from an in-frame TCT deletion at nucleotide positions 509 to 511. This results in the in-frame deletion of a phenylalanine at codon 170. This amino acid position is not well conserved in available vertebrate species. In addition, this variant is predicted to be neutral by in silico analysis (Choi Y et al. PLoS ONE. 2012; 7(10):e46688). Based on the available evidence, the clinical significance of this variant remains unclear.

Labcorp Genetics (formerly Invitae), Labcorp
Classification: Uncertain significance for Juvenile polyposis syndrome. Last evaluated: 2026-01-27. Review status: criteria provided, single submitter. Criteria: Invitae Variant Classification Sherloc (09022015). Collection method: clinical testing. Allele origin: germline.
Comment: This variant, c.509_511del, results in the deletion of 1 amino acid(s) of the BMPR1A protein (p.Phe170del), but otherwise preserves the integrity of the reading frame. This variant is not present in population databases (gnomAD no frequency). This variant has not been reported in the literature in individuals affected with BMPR1A-related conditions. Experimental studies and prediction algorithms are not available or were not evaluated, and the functional significance of this variant is currently unknown. In summary, the available evidence is currently insufficient to determine the role of this variant in disease. Therefore, it has been classified as a Variant of Uncertain Significance.

Labcorp Genetics (formerly Invitae), Labcorp
Classification: Uncertain significance for Juvenile polyposis syndrome. Last evaluated: 2016-01-23. Review status: criteria provided, single submitter. Criteria: Invitae Variant Classification Sherloc (09022015). Collection method: clinical testing. Allele origin: germline.
Comment: This sequence change deletes 3 nucleotides from exon 7 of the BMPR1A mRNA (c.509_511delTCT). This leads to the deletion of 1 amino acid residue in the BMPR1A protein (p.Phe170del) but otherwise preserves the integrity of the reading frame. This variant is not present in population databases (ExAC no frequency) and has not been reported in the literature in individuals with a BMPR1A-related disease. In summary, this is a novel missense change with uncertain impact on protein function. It has been classified as a Variant of Uncertain Significance.